The following is an entry in ClinVar:

NM_001130438.3(SPTAN1):c.1473G>C (p.Leu491Phe)

Gene: SPTAN1 (spectrin alpha, non-erythrocytic 1; plus strand). Cytogenetic location: 9q34.11.
Variant type: single nucleotide variant.
Coding change: c.1473G>C on transcript NM_001130438.3 (MANE Select); coding-DNA position 1473, G replaced by C.
Protein change: p.Leu491Phe; replaces leucine 491 with phenylalanine.
Molecular consequence: missense variant.
Genome position (GRCh38, 1-based): chr9:128,581,793, G>C. VCF-style: chr9-128581793-G-C. GRCh37 (hg19) VCF-style: chr9-131344072-G-C.
Other names: c.1473G>C, p.Leu491Phe (NM_001195532.2, NM_001363759.2, NM_001375313.1 and 5 more transcripts); c.1509G>C, p.Leu503Phe (NM_001375312.2, NM_001375318.1); short protein forms L491F, L503F.
Identifiers: ClinVar variation 2982225 (VCV002982225.3), dbSNP rs1851982070, ClinGen allele CA375054069.
Genomic context (GRCh38, chr9:128,581,793, plus strand): 5'-GATCAAAGGAATAGGACATTATTCTGAACACTTTGTTTCCTTTGGCAAGGCGTTCCTGTT[G>C]AATGAAGACTTGGGAGATTCCTTGGATAGTGTGGAAGCGCTTCTTAAGAAGCACGAAGAC-3'
Protein context (NP_001123910.1, residues 481-501): NWMSKQEAFL[Leu491Phe]NEDLGDSLDS

ClinVar aggregate classification (germline): Uncertain significance (1 of 4 stars; one submission).

Conditions:
Early-infantile DEE. Also called: Ohtahara syndrome; Early infantile epileptic encephalopathy; Early infantile epileptic encephalopathy with suppression bursts. Identifiers: Orphanet 1934, MedGen C0393706, MONDO:0800491.

Allele frequency attached by ClinVar (database versions not stated): TOPMed below 0.00001; gnomAD 0.00001.
gnomAD v4.1: 2 of 1,613,760 alleles (0.00012%); highest among the groups gnomAD compares: Admixed American, 0.0017%; no homozygotes.

Submission:

Labcorp Genetics (formerly Invitae), Labcorp
Classification: Uncertain significance for Early-infantile DEE. Last evaluated: 2023-01-28. Review status: criteria provided, single submitter. Criteria: Invitae Variant Classification Sherloc (09022015). Collection method: clinical testing. Allele origin: germline.
Comment: This variant is not present in population databases (gnomAD no frequency). In summary, the available evidence is currently insufficient to determine the role of this variant in disease. Therefore, it has been classified as a Variant of Uncertain Significance. Advanced modeling of protein sequence and biophysical properties (such as structural, functional, and spatial information, amino acid conservation, physicochemical variation, residue mobility, and thermodynamic stability) has been performed at Invitae for this missense variant, however the output from this modeling did not meet the statistical confidence thresholds required to predict the impact of this variant on SPTAN1 protein function. This variant has not been reported in the literature in individuals affected with SPTAN1-related conditions. This sequence change replaces leucine, which is neutral and non-polar, with phenylalanine, which is neutral and non-polar, at codon 491 of the SPTAN1 protein (p.Leu491Phe).